The following is an entry in ClinVar:

ClinVar aggregate classification (germline): Uncertain significance (1 of 4 stars; one submission).

gnomAD v4.1: 1 of 1,614,036 alleles (0.000062%); highest among the groups gnomAD compares: Non-Finnish European, 0.000085%; no homozygotes.

Submission:

Labcorp Genetics (formerly Invitae), Labcorp
Classification: Uncertain significance. Last evaluated: 2024-08-05. Review status: criteria provided, single submitter. Criteria: Invitae Variant Classification Sherloc (09022015). Collection method: clinical testing. Allele origin: germline.
Comment: This sequence change replaces proline, which is neutral and non-polar, with serine, which is neutral and polar, at codon 774 of the MTOR protein (p.Pro774Ser). This variant is not present in population databases (gnomAD no frequency). This variant has not been reported in the literature in individuals affected with MTOR-related conditions. Advanced modeling of protein sequence and biophysical properties (such as structural, functional, and spatial information, amino acid conservation, physicochemical variation, residue mobility, and thermodynamic stability) performed at Invitae indicates that this missense variant is not expected to disrupt MTOR protein function with a negative predictive value of 95%. In summary, the available evidence is currently insufficient to determine the role of this variant in disease. Therefore, it has been classified as a Variant of Uncertain Significance.

NM_004958.4(MTOR):c.2320C>T (p.Pro774Ser)

Gene: MTOR (mechanistic target of rapamycin kinase; minus strand). Cytogenetic location: 1p36.22.
Variant type: single nucleotide variant.
Coding change: c.2320C>T on transcript NM_004958.4 (MANE Select); coding-DNA position 2320, C replaced by T.
Protein change: p.Pro774Ser; replaces proline 774 with serine.
Molecular consequence: missense variant.
Genome position (GRCh38, 1-based): chr1:11,234,154, G>A on the plus strand (C>T on the coding strand, the complement: MTOR is on the minus strand). VCF-style: chr1-11234154-G-A. GRCh37 (hg19) VCF-style: chr1-11294211-G-A.
Other names: c.2320C>T, p.Pro774Ser (NM_001386500.1); c.1072C>T, p.Pro358Ser (NM_001386501.1); short protein forms P358S, P774S.
Identifiers: ClinVar variation 3613995 (VCV003613995.2).
Genomic context (GRCh38, chr1:11,234,154, plus strand): 5'-AGCTGATGACAACGCACAGAGAAAGCACCAGCCTCTCGGTTTGTGTTACCTTCAGAATAG[G>A]CTCCATGTAGGGGCGGATGAGTCGGGGGGCATTGGAGACCAGGTGCCCCAGCATGCGGGC-3'
Protein context (NP_004949.1, residues 764-784): APRLIRPYME[Pro774Ser]ILKALILKLK